The following is an entry in ClinVar:

NM_000202.8(IDS):c.879G>A (p.Gln293=)

Genes: IDS (iduronate 2-sulfatase; minus strand), LOC106050102 (IDS recombination region; plus strand). Cytogenetic location: Xq28.
Variant type: single nucleotide variant.
Coding change: c.879G>A on transcript NM_000202.8 (MANE Select); coding-DNA position 879, G replaced by A.
Protein change: p.Gln293=; no amino-acid change (glutamine 293 retained).
Molecular consequence: synonymous variant. On other transcripts: non-coding transcript variant (1).
Genome position (GRCh38, 1-based): chrX:149,496,346, C>T on the plus strand (G>A on the coding strand, the complement: IDS is on the minus strand). VCF-style: chrX-149496346-C-T. GRCh37 (hg19) VCF-style: chrX-148577877-C-T.
Other names: c.609G>A, p.Gln203= (NM_001166550.4); c.879G>A, p.Gln293= (NM_006123.5).
Identifiers: ClinVar variation 3255866 (VCV003255866.2).

ClinVar aggregate classification (germline): Likely pathogenic (1 of 4 stars; one submission).

Conditions:
Mucopolysaccharidosis, MPS-II (MPS2). Also called: Hunter Syndrome; IDURONATE 2-SULFATASE DEFICIENCY; Mucopolysaccharidosis Type II; Mucopolysaccharidosis type 2; Attenuated MPS (subtype; formerly known as mild MPS II); Severe MPS II. Identifiers: Orphanet 580, Orphanet 79388, MedGen C0026705, MONDO:0010674, OMIM 309900.

Submission:

Laboratory of Diagnosis and Therapy of Lysosomal Disorders, University of Padova
Classification: Likely pathogenic for Mucopolysaccharidosis, MPS-II. Last evaluated: 2024-06-07. Review status: criteria provided, single submitter. Criteria: ACMG Guidelines, 2015. Collection method: literature only. Allele origin: germline. Affected: yes. Observed: 2 variant alleles.
Comment: Absent from controls (or at low frequency) in gnomAD database (PM2_Moderate), Patient’s phenotype or family history highly specific for the disease (PP4_Strong)

Classification method: ACMG Guidelines [PMID:25741868] with modifications

Literature cited by the submitters: PubMed 21829674; PubMed 36945845.